The following is an entry in ClinVar:

NM_000815.5(GABRD):c.728T>C (p.Leu243Pro)

Gene: GABRD (gamma-aminobutyric acid type A receptor subunit delta; plus strand). Cytogenetic location: 1p36.33.
Variant type: single nucleotide variant.
Coding change: c.728T>C on transcript NM_000815.5 (MANE Select); coding-DNA position 728, T replaced by C.
Protein change: p.Leu243Pro; replaces leucine 243 with proline.
Molecular consequence: missense variant.
Genome position (GRCh38, 1-based): chr1:2,029,147, T>C. VCF-style: chr1-2029147-T-C. GRCh37 (hg19) VCF-style: chr1-1960586-T-C.
Other names: short protein forms L243P.
Identifiers: ClinVar variation 460014 (VCV000460014.8), dbSNP rs1248355743, ClinGen allele CA337959010.

ClinVar aggregate classification (germline): Uncertain significance (1 of 4 stars; one submission).

Conditions:
Idiopathic generalized epilepsy. Also called: Generalised epilepsy; EIG. Identifiers: MedGen C0270850, MONDO:0005579, OMIM 600669.

Allele frequency attached by ClinVar (database versions not stated): gnomAD exomes 0.00001 and below 0.00001.
gnomAD v4.1: 1 of 1,546,426 alleles (0.000065%); highest among the groups gnomAD compares: Non-Finnish European, 0.000087%; no homozygotes.

Submission:

Labcorp Genetics (formerly Invitae), Labcorp
Classification: Uncertain significance for Idiopathic generalized epilepsy. Last evaluated: 2017-10-23. Review status: criteria provided, single submitter. Criteria: Invitae Variant Classification Sherloc (09022015). Collection method: clinical testing. Allele origin: germline.
Comment: This sequence change replaces leucine with proline at codon 243 of the GABRD protein (p.Leu243Pro). The leucine residue is highly conserved and there is a moderate physicochemical difference between leucine and proline. This variant is not present in population databases (ExAC no frequency). This variant has not been reported in the literature in individuals with GABRD-related disease. Algorithms developed to predict the effect of missense changes on protein structure and function (SIFT, PolyPhen-2, Align-GVGD) all suggest that this variant is likely to be disruptive, but these predictions have not been confirmed by published functional studies and their clinical significance is uncertain. In summary, the available evidence is currently insufficient to determine the role of this variant in disease. Therefore, it has been classified as a Variant of Uncertain Significance.